The following is an entry in ClinVar:

ClinVar aggregate classification (germline): Conflicting classifications of pathogenicity. Review status: criteria provided, conflicting classifications (1 of 4 stars). 5 submissions from 5 submitters: Uncertain significance (4); Likely benign (1). Last evaluated 2025-05-11.

Conditions:
Hereditary cancer-predisposing syndrome. Also called: Hereditary Cancer Syndrome; Tumor predisposition; Hereditary neoplastic syndrome; Neoplastic Syndromes, Hereditary. Identifiers: Orphanet 140162, MedGen C0027672, MeSH D009386, MONDO:0015356.
Hereditary breast ovarian cancer syndrome. Also called: Hereditary breast and ovarian cancer syndrome (HBOC); Breast and ovarian cancer; Hereditary breast and ovarian cancer syndrome; Hereditary breast and/or ovarian cancer syndrome; Hereditary breast and ovarian cancer; BRCA1- and BRCA2-Associated Hereditary Breast and Ovarian Cancer. Identifiers: Orphanet 145, MedGen C0677776, MeSH D061325, MONDO:0003582. Disease mechanism: loss of function.

Submissions (5):

Ambry Genetics
Classification: Uncertain significance for Hereditary cancer-predisposing syndrome. Last evaluated: 2025-05-11. Review status: criteria provided, single submitter. Criteria: Ambry Variant Classification Scheme 2023. Collection method: clinical testing. Allele origin: germline.
Comment: The p.D458N variant (also known as c.1372G>A), located in coding exon 9 of the BRCA1 gene, results from a G to A substitution at nucleotide position 1372. The aspartic acid at codon 458 is replaced by asparagine, an amino acid with highly similar properties. This amino acid position is highly conserved in available vertebrate species. In addition, the in silico prediction for this alteration is inconclusive. Since supporting evidence is limited at this time, the clinical significance of this alteration remains unclear.

Women's Health and Genetics/Laboratory Corporation of America, LabCorp
Classification: Uncertain significance. Last evaluated: 2024-04-30. Review status: criteria provided, single submitter. Criteria: LabCorp Variant Classification Summary - May 2015. Collection method: clinical testing. Allele origin: germline.
Comment: Variant summary: BRCA1 c.1372G>A (p.Asp458Asn) results in a conservative amino acid change in the encoded protein sequence. Four of five in-silico tools predict a damaging effect of the variant on protein function. The variant was absent in 251028 control chromosomes. The available data on variant occurrences in the general population are insufficient to allow any conclusion about variant significance. To our knowledge, no occurrence of c.1372G>A in individuals affected with Hereditary Breast And Ovarian Cancer Syndrome and no experimental evidence demonstrating its impact on protein function have been reported. ClinVar contains an entry for this variant (Variation ID: 1411075). Based on the evidence outlined above, the variant was classified as uncertain significance.

Labcorp Genetics (formerly Invitae), Labcorp
Classification: Uncertain significance for Hereditary breast ovarian cancer syndrome. Last evaluated: 2023-11-05. Review status: criteria provided, single submitter. Criteria: Invitae Variant Classification Sherloc (09022015). Collection method: clinical testing. Allele origin: germline.
Comment: This sequence change replaces aspartic acid, which is acidic and polar, with asparagine, which is neutral and polar, at codon 458 of the BRCA1 protein (p.Asp458Asn). This variant is not present in population databases (gnomAD no frequency). This variant has not been reported in the literature in individuals affected with BRCA1-related conditions. ClinVar contains an entry for this variant (Variation ID: 1411075). Advanced modeling of protein sequence and biophysical properties (such as structural, functional, and spatial information, amino acid conservation, physicochemical variation, residue mobility, and thermodynamic stability) performed at Invitae indicates that this missense variant is not expected to disrupt BRCA1 protein function with a negative predictive value of 95%. In summary, the available evidence is currently insufficient to determine the role of this variant in disease. Therefore, it has been classified as a Variant of Uncertain Significance.

University of Washington Department of Laboratory Medicine, University of Washington
Classification: Likely benign for Hereditary cancer-predisposing syndrome. Last evaluated: 2023-03-23. Review status: criteria provided, single submitter. Criteria: Dines et al. (Genet Med. 2020). Collection method: curation. Allele origin: germline.
Comment: Missense variant in a coldspot region where missense variants are very unlikely to be pathogenic (PMID:31911673).

BRCA1 coldspot (exon 11 using historical exon numbering). Reclassification based on statistical prior probability

Quest Diagnostics Nichols Institute San Juan Capistrano
Classification: Uncertain significance. Last evaluated: 2023-01-30. Review status: criteria provided, single submitter. Criteria: Quest Diagnostics criteria. Collection method: clinical testing. Allele origin: unknown.
Comment: The variant has not been reported in the published literature. It also has not been reported in large, multi-ethnic general populations. Analysis of this variant using bioinformatics tools for the prediction of the effect of amino acid changes on protein structure and function yielded conflicting predictions that this variant is benign or damaging. Based on the available information, we are unable to determine the clinical significance of this variant.

NM_007294.4(BRCA1):c.1372G>A (p.Asp458Asn)

Gene: BRCA1 (BRCA1 DNA repair associated; minus strand). Cytogenetic location: 17q21.31.
Variant type: single nucleotide variant.
Coding change: c.1372G>A on transcript NM_007294.4 (MANE Select); coding-DNA position 1372, G replaced by A.
Protein change: p.Asp458Asn; replaces aspartic acid 458 with asparagine.
Molecular consequence: missense variant. On other transcripts: intron variant (137).
Genome position (GRCh38, 1-based): chr17:43,094,159, C>T on the plus strand (G>A on the coding strand, the complement: BRCA1 is on the minus strand). VCF-style: chr17-43094159-C-T. GRCh37 (hg19) VCF-style: chr17-41246176-C-T.
Other names: c.1372G>A, p.Asp458Asn (NM_001407684.1, NM_001407581.1, NM_001407582.1 and 30 more transcripts); c.1246G>A, p.Asp416Asn (NM_001407685.1, NM_001407686.1, NM_001407687.1 and 11 more transcripts); c.1231G>A, p.Asp411Asn (NM_001407692.1, NM_001407694.1, NM_001407695.1 and 29 more transcripts); c.1228G>A, p.Asp410Asn (NM_001407740.1, NM_001407741.1, NM_001407742.1 and 20 more transcripts); c.1159G>A, p.Asp387Asn (NM_001407571.1, NM_001407853.1, NM_001407894.1 and 9 more transcripts); c.1369G>A, p.Asp457Asn (NM_001407587.1, NM_001407590.1, NM_001407591.1 and 22 more transcripts); c.1363G>A, p.Asp455Asn (NM_001407646.1, NM_001407647.1); c.1249G>A, p.Asp417Asn (NM_001407648.1, NM_001407664.1, NM_001407665.1 and 19 more transcripts); and 40 more; short protein forms D411N, D458N, D331N, D387N, D455N, D369N, D390N, D391N.
Identifiers: ClinVar variation 1411075 (VCV001411075.16), dbSNP rs2154450550, ClinGen allele CA10599302.